The following is an entry in ClinVar:

ClinVar aggregate classification (germline): Uncertain significance (1 of 4 stars; one submission).

gnomAD v4.1: 1 of 1,614,076 alleles (0.000062%); highest among the groups gnomAD compares: African/African-American, 0.0013%; no homozygotes.

Submission:

GeneDx
Classification: Uncertain significance. Last evaluated: 2024-04-18. Review status: criteria provided, single submitter. Criteria: GeneDx Variant Classification Process June 2021. Collection method: clinical testing. Allele origin: germline. Affected: yes.
Comment: Not observed at significant frequency in large population cohorts (gnomAD); In silico analysis supports that this missense variant has a deleterious effect on protein structure/function; Has not been previously published as pathogenic or benign to our knowledge

NM_000884.3(IMPDH2):c.476C>T (p.Ser159Phe)

Gene: IMPDH2 (inosine monophosphate dehydrogenase 2; minus strand). Cytogenetic location: 3p21.31.
Variant type: single nucleotide variant.
Coding change: c.476C>T on transcript NM_000884.3 (MANE Select); coding-DNA position 476, C replaced by T.
Protein change: p.Ser159Phe; replaces serine 159 with phenylalanine.
Molecular consequence: missense variant.
Genome position (GRCh38, 1-based): chr3:49,027,765, G>A on the plus strand (C>T on the coding strand, the complement: IMPDH2 is on the minus strand). VCF-style: chr3-49027765-G-A. GRCh37 (hg19) VCF-style: chr3-49065198-G-A.
Other names: c.476C>T, p.Ser159Phe (NM_001410759.1); c.401C>T, p.Ser134Phe (NM_001410760.1, NM_001410761.1); short protein forms S134F, S159F.
Identifiers: ClinVar variation 3369709 (VCV003369709.1).